The following is an entry in ClinVar:

NM_000062.3(SERPING1):c.1481G>A (p.Arg494Gln)

Gene: SERPING1 (serpin family G member 1; plus strand). Cytogenetic location: 11q12.1.
Variant type: single nucleotide variant.
Coding change: c.1481G>A on transcript NM_000062.3 (MANE Select); coding-DNA position 1481, G replaced by A.
Protein change: p.Arg494Gln; replaces arginine 494 with glutamine.
Molecular consequence: missense variant.
Genome position (GRCh38, 1-based): chr11:57,614,559, G>A. VCF-style: chr11-57614559-G-A. GRCh37 (hg19) VCF-style: chr11-57382032-G-A.
Other names: c.1481G>A, p.Arg494Gln (NM_001032295.2); short protein forms R494Q.
Identifiers: ClinVar variation 1477674 (VCV001477674.8), dbSNP rs1363997186, ClinGen allele CA380690930.
Genomic context (GRCh38, chr11:57,614,559, plus strand): 5'-AGCAGCCCTTCCTCTTCGTGCTCTGGGACCAGCAGCACAAGTTCCCTGTCTTCATGGGGC[G>A]AGTATATGACCCCAGGGCCTGAGACCTGCAGGATCAGGTTAGGGCGAGCGCTACCTCTCC-3'
Protein context (NP_000053.2, residues 484-500): QQHKFPVFMG[Arg494Gln]VYDPRA

ClinVar aggregate classification (germline): Likely pathogenic (1 of 4 stars; one submission).

Allele frequency attached by ClinVar (database versions not stated): gnomAD exomes 0.00001; TOPMed 0.00002; gnomAD 0.00001.
gnomAD v4.1: 10 of 1,613,852 alleles (0.00062%); highest among the groups gnomAD compares: East Asian, 0.0022%; no homozygotes.

Submission:

Labcorp Genetics (formerly Invitae), Labcorp
Classification: Likely pathogenic. Last evaluated: 2025-10-16. Review status: criteria provided, single submitter. Criteria: Invitae Variant Classification Sherloc (09022015). Collection method: clinical testing. Allele origin: germline.
Comment: This sequence change replaces arginine, which is basic and polar, with glutamine, which is neutral and polar, at codon 494 of the SERPING1 protein (p.Arg494Gln). This variant is not present in population databases (gnomAD no frequency). This missense change has been observed in individuals with clinical features of hereditary angioedema (PMID: 18586324; internal data). This variant is also known as Arg472Gln. ClinVar contains an entry for this variant (Variation ID: 1477674). Invitae Evidence Modeling of protein sequence and biophysical properties (such as structural, functional, and spatial information, amino acid conservation, physicochemical variation, residue mobility, and thermodynamic stability) has been performed for this missense variant. However, the output from this modeling did not meet the statistical confidence thresholds required to predict the impact of this variant on SERPING1 protein function. Algorithms developed to predict the effect of sequence changes on RNA splicing suggest that this variant may create or strengthen a splice site. This variant disrupts the p.Arg494 amino acid residue in SERPING1. Other variant(s) that disrupt this residue have been observed in individuals with SERPING1-related conditions (PMID: 18586324), which suggests that this may be a clinically significant amino acid residue. In summary, the currently available evidence indicates that the variant is pathogenic, but additional data are needed to prove that conclusively. Therefore, this variant has been classified as Likely Pathogenic.

Literature cited by the submitters: PubMed 18586324.